The following is an entry in ClinVar:

ClinVar aggregate classification (germline): Uncertain significance. Review status: criteria provided, multiple submitters, no conflicts (2 of 4 stars). 2 submissions from 2 submitters: Uncertain significance (2). Last evaluated 2025-09-02.

Conditions:
Inborn genetic diseases. Identifiers: MedGen C0950123, MeSH D030342.
Hyperphosphatasia with intellectual disability syndrome 5 (GPIBD11). Also called: GLYCOSYLPHOSPHATIDYLINOSITOL BIOSYNTHESIS DEFECT 11. Identifiers: Orphanet 247262, MedGen C4014958, MONDO:0014457, OMIM 616025.

Allele frequency attached by ClinVar (database versions not stated): gnomAD 0.00001; gnomAD exomes 0.00001; TOPMed 0.00001; ExAC 0.00002.
gnomAD v4.1: 15 of 1,613,870 alleles (0.00093%); highest among the groups gnomAD compares: Non-Finnish European, 0.0011%; no homozygotes.

Submissions (2):

Labcorp Genetics (formerly Invitae), Labcorp
Classification: Uncertain significance for Hyperphosphatasia with intellectual disability syndrome 5. Last evaluated: 2025-09-02. Review status: criteria provided, single submitter. Criteria: Invitae Variant Classification Sherloc (09022015). Collection method: clinical testing. Allele origin: germline.
Comment: This sequence change replaces serine, which is neutral and polar, with glycine, which is neutral and non-polar, at codon 471 of the PIGW protein (p.Ser471Gly). This variant is present in population databases (rs760941823, gnomAD 0.03%). This variant has not been reported in the literature in individuals affected with PIGW-related conditions. ClinVar contains an entry for this variant (Variation ID: 2140704). Invitae Evidence Modeling of protein sequence and biophysical properties (such as structural, functional, and spatial information, amino acid conservation, physicochemical variation, residue mobility, and thermodynamic stability) indicates that this missense variant is expected to disrupt PIGW protein function with a positive predictive value of 80%. In summary, the available evidence is currently insufficient to determine the role of this variant in disease. Therefore, it has been classified as a Variant of Uncertain Significance.

Ambry Genetics
Classification: Uncertain significance for Inborn genetic diseases. Last evaluated: 2022-12-02. Review status: criteria provided, single submitter. Criteria: Ambry Variant Classification Scheme 2023. Collection method: clinical testing. Allele origin: germline.

NM_001346754.2(PIGW):c.1411A>G (p.Ser471Gly)

Genes: MYO19 (myosin XIX; minus strand), PIGW (phosphatidylinositol glycan anchor biosynthesis class W; plus strand). Cytogenetic location: 17q12.
Variant type: single nucleotide variant.
Coding change: c.1411A>G on transcript NM_001346754.2 (MANE Select); coding-DNA position 1411, A replaced by G.
Protein change: p.Ser471Gly; replaces serine 471 with glycine.
Molecular consequence: missense variant.
Genome position (GRCh38, 1-based): chr17:36,538,512, A>G. VCF-style: chr17-36538512-A-G. GRCh37 (hg19) VCF-style: chr17-34894361-A-G.
Other names: c.1411A>G (NM_178517.3); c.1411A>G, p.Ser471Gly (NM_001346755.2, NM_178517.5); short protein forms S471G.
Identifiers: ClinVar variation 2140704 (VCV002140704.5), dbSNP rs760941823, ClinGen allele CA290116849.